The following is an entry in ClinVar:

ClinVar aggregate classification (germline): Uncertain significance (1 of 4 stars; one submission).

Conditions:
Hereditary cancer-predisposing syndrome. Also called: Neoplastic Syndromes, Hereditary; Tumor predisposition; Hereditary neoplastic syndrome; Hereditary Cancer Syndrome. Identifiers: Orphanet 140162, MedGen C0027672, MeSH D009386, MONDO:0015356.

Allele frequency attached by ClinVar (database versions not stated): gnomAD 0.00001.

Submission:

Ambry Genetics
Classification: Uncertain significance for Hereditary cancer-predisposing syndrome. Last evaluated: 2023-02-28. Review status: criteria provided, single submitter. Criteria: Ambry Variant Classification Scheme 2023. Collection method: clinical testing. Allele origin: germline.
Comment: The p.P113S variant (also known as c.337C>T), located in coding exon 3 of the SUFU gene, results from a C to T substitution at nucleotide position 337. The proline at codon 113 is replaced by serine, an amino acid with similar properties. This amino acid position is conserved. In addition, the in silico prediction for this alteration is inconclusive. Since supporting evidence is limited at this time, the clinical significance of this alteration remains unclear.

NM_016169.4(SUFU):c.337C>T (p.Pro113Ser)

Gene: SUFU (SUFU negative regulator of hedgehog signaling; plus strand). Cytogenetic location: 10q24.32.
Variant type: single nucleotide variant.
Coding change: c.337C>T on transcript NM_016169.4 (MANE Select); coding-DNA position 337, C replaced by T.
Protein change: p.Pro113Ser; replaces proline 113 with serine.
Molecular consequence: missense variant.
Genome position (GRCh38, 1-based): chr10:102,549,989, C>T. VCF-style: chr10-102549989-C-T. GRCh37 (hg19) VCF-style: chr10-104309746-C-T.
Other names: c.337C>T, p.Pro113Ser (NM_001178133.2); short protein forms P113S.
Identifiers: ClinVar variation 2452621 (VCV002452621.2), dbSNP rs1417049698, ClinGen allele CA377903043.